The following is an entry in ClinVar:

ClinVar aggregate classification (germline): Uncertain significance (1 of 4 stars; one submission).

Conditions:
Hereditary cancer-predisposing syndrome. Also called: Neoplastic Syndromes, Hereditary; Tumor predisposition; Hereditary neoplastic syndrome; Hereditary Cancer Syndrome. Identifiers: Orphanet 140162, MedGen C0027672, MeSH D009386, MONDO:0015356.

Submission:

Ambry Genetics
Classification: Uncertain significance for Hereditary cancer-predisposing syndrome. Last evaluated: 2023-01-30. Review status: criteria provided, single submitter. Criteria: Ambry Variant Classification Scheme 2023. Collection method: clinical testing. Allele origin: germline.
Comment: The p.F373L variant (also known as c.1119C>G), located in coding exon 9 of the SUFU gene, results from a C to G substitution at nucleotide position 1119. The phenylalanine at codon 373 is replaced by leucine, an amino acid with highly similar properties. This amino acid position is highly conserved in available vertebrate species. In addition, the in silico prediction for this alteration is inconclusive. Since supporting evidence is limited at this time, the clinical significance of this alteration remains unclear.

NM_016169.4(SUFU):c.1119C>G (p.Phe373Leu)

Gene: SUFU (SUFU negative regulator of hedgehog signaling; plus strand). Cytogenetic location: 10q24.32.
Variant type: single nucleotide variant.
Coding change: c.1119C>G on transcript NM_016169.4 (MANE Select); coding-DNA position 1119, C replaced by G.
Protein change: p.Phe373Leu; replaces phenylalanine 373 with leucine.
Molecular consequence: missense variant.
Genome position (GRCh38, 1-based): chr10:102,615,364, C>G. VCF-style: chr10-102615364-C-G. GRCh37 (hg19) VCF-style: chr10-104375121-C-G.
Other names: c.1119C>G, p.Phe373Leu (NM_001178133.2); short protein forms F373L.
Identifiers: ClinVar variation 3226856 (VCV003226856.1), dbSNP rs2135930292, ClinGen allele CA377914333.